The following is an entry in ClinVar:

ClinVar aggregate classification (germline): Uncertain significance (1 of 4 stars; one submission).

Conditions:
Inborn genetic diseases. Identifiers: MedGen C0950123, MeSH D030342.

Submission:

Ambry Genetics
Classification: Uncertain significance for Inborn genetic diseases. Last evaluated: 2026-04-22. Review status: criteria provided, single submitter. Criteria: Ambry Variant Classification Scheme 2023. Collection method: clinical testing. Allele origin: germline.
Comment: The p.M1059K variant (also known as c.3176T>A), located in coding exon 1 of the SAMD9L gene, results from a T to A substitution at nucleotide position 3176. The methionine at codon 1059 is replaced by lysine, an amino acid with similar properties. This amino acid position is conserved. In addition, the in silico prediction for this alteration is inconclusive. Based on the available evidence, the clinical significance of this variant remains unclear.

NM_152703.5(SAMD9L):c.3176T>A (p.Met1059Lys)

Gene: SAMD9L (sterile alpha motif domain containing 9 like; minus strand). Cytogenetic location: 7q21.2.
Variant type: single nucleotide variant.
Coding change: c.3176T>A on transcript NM_152703.5 (MANE Select); coding-DNA position 3176, T replaced by A.
Protein change: p.Met1059Lys; replaces methionine 1059 with lysine.
Molecular consequence: missense variant.
Genome position (GRCh38, 1-based): chr7:93,132,796, A>T on the plus strand (T>A on the coding strand, the complement: SAMD9L is on the minus strand). VCF-style: chr7-93132796-A-T. GRCh37 (hg19) VCF-style: chr7-92762109-A-T.
Other names: c.3176T>A, p.Met1059Lys (NM_001303496.3, NM_001303497.3, NM_001303498.3 and 5 more transcripts); short protein forms M1059K.
Identifiers: ClinVar variation 4863955 (VCV004863955.1).